The following is an entry in ClinVar:

NM_018230.3(NUP133):c.503A>G (p.His168Arg)

Gene: NUP133 (nucleoporin 133; minus strand). Cytogenetic location: 1q42.13.
Variant type: single nucleotide variant.
Coding change: c.503A>G on transcript NM_018230.3 (MANE Select); coding-DNA position 503, A replaced by G.
Protein change: p.His168Arg; replaces histidine 168 with arginine.
Molecular consequence: missense variant.
Genome position (GRCh38, 1-based): chr1:229,500,766, T>C on the plus strand (A>G on the coding strand, the complement: NUP133 is on the minus strand). VCF-style: chr1-229500766-T-C. GRCh37 (hg19) VCF-style: chr1-229636513-T-C.
Other names: short protein forms H168R.
Identifiers: ClinVar variation 3626545 (VCV003626545.2).

ClinVar aggregate classification (germline): Uncertain significance (1 of 4 stars; one submission).

gnomAD v4.1: 14 of 1,607,706 alleles (0.00087%); highest among the groups gnomAD compares: Non-Finnish European, 0.0011%; no homozygotes.

Submission:

Labcorp Genetics (formerly Invitae), Labcorp
Classification: Uncertain significance. Last evaluated: 2024-07-31. Review status: criteria provided, single submitter. Criteria: Invitae Variant Classification Sherloc (09022015). Collection method: clinical testing. Allele origin: germline.
Comment: This sequence change replaces histidine, which is basic and polar, with arginine, which is basic and polar, at codon 168 of the NUP133 protein (p.His168Arg). This variant is present in population databases (no rsID available, gnomAD 0.0009%). This variant has not been reported in the literature in individuals affected with NUP133-related conditions. An algorithm developed to predict the effect of missense changes on protein structure and function (PolyPhen-2) suggests that this variant is likely to be tolerated. In summary, the available evidence is currently insufficient to determine the role of this variant in disease. Therefore, it has been classified as a Variant of Uncertain Significance.